The following is an entry in ClinVar:

NM_000685.5(AGTR1):c.733A>G (p.Ile245Val)

Gene: AGTR1 (angiotensin II receptor type 1; plus strand). Cytogenetic location: 3q24.
Variant type: single nucleotide variant.
Coding change: c.733A>G on transcript NM_000685.5 (MANE Select); coding-DNA position 733, A replaced by G.
Protein change: p.Ile245Val; replaces isoleucine 245 with valine.
Molecular consequence: missense variant.
Genome position (GRCh38, 1-based): chr3:148,741,768, A>G. VCF-style: chr3-148741768-A-G. GRCh37 (hg19) VCF-style: chr3-148459555-A-G.
Other names: c.733A>G, p.Ile245Val (NM_001382736.1, NM_001382737.1, NM_004835.5 and 3 more transcripts); short protein forms I245V.
Identifiers: ClinVar variation 1512488 (VCV001512488.5), dbSNP rs377357687, ClinGen allele CA2657376.

ClinVar aggregate classification (germline): Uncertain significance (1 of 4 stars; one submission).

Allele frequency attached by ClinVar (database versions not stated): gnomAD exomes 0.00001 and 0.00004; ExAC 0.00007; gnomAD 0.00018 and 0.00021; TOPMed 0.00020; ESP Exome Variant Server 0.00031.
gnomAD v4.1: 37 of 1,613,302 alleles (0.0023%); highest among the groups gnomAD compares: African/African-American, 0.039%; no homozygotes.

Submission:

Labcorp Genetics (formerly Invitae), Labcorp
Classification: Uncertain significance. Last evaluated: 2022-08-22. Review status: criteria provided, single submitter. Criteria: Invitae Variant Classification Sherloc (09022015). Collection method: clinical testing. Allele origin: germline.
Comment: This sequence change replaces isoleucine, which is neutral and non-polar, with valine, which is neutral and non-polar, at codon 280 of the AGTR1 protein (p.Ile280Val). This variant is present in population databases (rs377357687, gnomAD 0.07%). This variant has not been reported in the literature in individuals affected with AGTR1-related conditions. ClinVar contains an entry for this variant (Variation ID: 1512488). Algorithms developed to predict the effect of missense changes on protein structure and function are either unavailable or do not agree on the potential impact of this missense change (SIFT: "Tolerated"; PolyPhen-2: "Not Available"; Align-GVGD: "Class C0"). Algorithms developed to predict the effect of sequence changes on RNA splicing suggest that this variant may create or strengthen a splice site. In summary, the available evidence is currently insufficient to determine the role of this variant in disease. Therefore, it has been classified as a Variant of Uncertain Significance.